The following is an entry in ClinVar:

ClinVar aggregate classification (germline): Uncertain significance (1 of 4 stars; one submission).

Submission:

GeneDx
Classification: Uncertain significance. Last evaluated: 2023-06-08. Review status: criteria provided, single submitter. Criteria: GeneDx Variant Classification Process June 2021. Collection method: clinical testing. Allele origin: germline. Affected: yes.
Comment: Not observed at significant frequency in large population cohorts (gnomAD); In silico analysis supports that this missense variant does not alter protein structure/function; Has not been previously published as pathogenic or benign to our knowledge

NM_020134.4(DPYSL5):c.1550G>C (p.Arg517Pro)

Gene: DPYSL5 (dihydropyrimidinase like 5; plus strand). Cytogenetic location: 2p23.3.
Variant type: single nucleotide variant.
Coding change: c.1550G>C on transcript NM_020134.4 (MANE Select); coding-DNA position 1550, G replaced by C.
Protein change: p.Arg517Pro; replaces arginine 517 with proline.
Molecular consequence: missense variant.
Genome position (GRCh38, 1-based): chr2:26,944,765, G>C. VCF-style: chr2-26944765-G-C. GRCh37 (hg19) VCF-style: chr2-27167633-G-C.
Other names: c.1550G>C, p.Arg517Pro (NM_001253723.2, NM_001253724.2); short protein forms R517P.
Identifiers: ClinVar variation 3253551 (VCV003253551.1), dbSNP rs1279443976.